The following is an entry in ClinVar:

ClinVar aggregate classification (germline): Uncertain significance (1 of 4 stars; one submission).

Conditions:
Multiple endocrine neoplasia, type 1 (MEN1). Also called: MEA I; MEN I; WERMER SYNDROME; Endocrine adenomatosis multiple; MEN 1. Identifiers: Orphanet 652, MedGen C0025267, MeSH D018761, MONDO:0007540, OMIM 131100.

Submission:

Labcorp Genetics (formerly Invitae), Labcorp
Classification: Uncertain significance for Multiple endocrine neoplasia, type 1. Last evaluated: 2022-10-23. Review status: criteria provided, single submitter. Criteria: Invitae Variant Classification Sherloc (09022015). Collection method: clinical testing. Allele origin: germline.
Comment: This sequence change replaces serine, which is neutral and polar, with alanine, which is neutral and non-polar, at codon 226 of the MEN1 protein (p.Ser226Ala). This variant is not present in population databases (gnomAD no frequency). This variant has not been reported in the literature in individuals affected with MEN1-related conditions. Algorithms developed to predict the effect of missense changes on protein structure and function (SIFT, PolyPhen-2, Align-GVGD) all suggest that this variant is likely to be tolerated. In summary, the available evidence is currently insufficient to determine the role of this variant in disease. Therefore, it has been classified as a Variant of Uncertain Significance.

NM_001370259.2(MEN1):c.676T>G (p.Ser226Ala)

Gene: MEN1 (menin 1; minus strand). Cytogenetic location: 11q13.1.
Variant type: single nucleotide variant.
Coding change: c.676T>G on transcript NM_001370259.2 (MANE Select); coding-DNA position 676, T replaced by G.
Protein change: p.Ser226Ala; replaces serine 226 with alanine.
Molecular consequence: missense variant.
Genome position (GRCh38, 1-based): chr11:64,807,659, A>C on the plus strand (T>G on the coding strand, the complement: MEN1 is on the minus strand). VCF-style: chr11-64807659-A-C. GRCh37 (hg19) VCF-style: chr11-64575131-A-C.
Other names: c.691T>G, p.Ser231Ala (NM_000244.4, NM_130800.3, NM_130801.3 and 5 more transcripts); c.676T>G, p.Ser226Ala (NM_001370251.2, NM_001370260.2, NM_001370261.2 and 7 more transcripts); c.571T>G, p.Ser191Ala (NM_001370262.2, NM_001370263.2, NM_001407148.1 and 2 more transcripts); short protein forms S191A, S226A, S231A.
Identifiers: ClinVar variation 1722062 (VCV001722062.5), dbSNP rs2497207141, ClinGen allele CA381185180.